The following is an entry in ClinVar:

NM_020812.4(DOCK6):c.5002G>A (p.Asp1668Asn)

Genes: DOCK6 (dedicator of cytokinesis 6; minus strand), DOCK6-AS1 (DOCK6 antisense RNA 1; plus strand). Cytogenetic location: 19p13.2.
Variant type: single nucleotide variant.
Coding change: c.5002G>A on transcript NM_020812.4 (MANE Select); coding-DNA position 5002, G replaced by A.
Protein change: p.Asp1668Asn; replaces aspartic acid 1668 with asparagine.
Molecular consequence: missense variant.
Genome position (GRCh38, 1-based): chr19:11,208,772, C>T on the plus strand (G>A on the coding strand, the complement: DOCK6 is on the minus strand). VCF-style: chr19-11208772-C-T. GRCh37 (hg19) VCF-style: chr19-11319448-C-T.
Other names: c.5107G>A, p.Asp1703Asn (NM_001367830.1); short protein forms D1703N, D1668N.
Identifiers: ClinVar variation 781878 (VCV000781878.7), dbSNP rs76981407, ClinGen allele CA9206653.

ClinVar aggregate classification (germline): Likely benign. Review status: criteria provided, multiple submitters, no conflicts (2 of 4 stars). 2 submissions from 2 submitters: Likely benign (2). Last evaluated 2026-01-04.

Conditions:
DOCK6-related disorder. Also called: DOCK6-related condition.

Allele frequency attached by ClinVar (database versions not stated): gnomAD 0.00009; gnomAD exomes 0.00016 and 0.00019; ExAC 0.00020; 1000 Genomes Project 30x 0.00031; 1000 Genomes Project 0.00040; TOPMed 0.00007.
gnomAD v4.1: 288 of 1,613,740 alleles (0.018%); highest among the groups gnomAD compares: East Asian, 0.61%; 3 homozygotes.

Submissions (2):

Labcorp Genetics (formerly Invitae), Labcorp
Classification: Likely benign. Last evaluated: 2026-01-04. Review status: criteria provided, single submitter. Criteria: Invitae Variant Classification Sherloc (09022015). Collection method: clinical testing. Allele origin: germline.

PreventionGenetics, part of Exact Sciences
Classification: Likely benign for DOCK6-related condition. Last evaluated: 2025-02-06. Review status: criteria provided, single submitter. Criteria: ACMG Guidelines, 2015. Collection method: clinical testing. Allele origin: germline.
Comment: This variant is classified as likely benign based on ACMG/AMP sequence variant interpretation guidelines (Richards et al. 2015 PMID: 25741868, with internal and published modifications).